The following is an entry in ClinVar:

ClinVar aggregate classification (germline): Likely benign. Review status: criteria provided, multiple submitters, no conflicts (2 of 4 stars). 4 submissions from 4 submitters: Likely benign (4). Last evaluated 2026-01-19.

Conditions:
Intellectual disability, autosomal recessive 53 (NEDHSCA). Also called: GLYCOSYLPHOSPHATIDYLINOSITOL BIOSYNTHESIS DEFECT 13; Mental retardation, autosomal recessive 53; NEURODEVELOPMENTAL DISORDER WITH OR WITHOUT HYPOTONIA, SEIZURES, AND CEREBELLAR ATROPHY. Identifiers: Orphanet 488635, MedGen C4310794, MONDO:0014832, OMIM 616917.

Allele frequency attached by ClinVar (database versions not stated): gnomAD exomes 0.00012 and 0.00020; ExAC 0.00013; gnomAD 0.00015 and 0.00016; TOPMed 0.00023; 1000 Genomes Project 30x 0.00031; 1000 Genomes Project 0.00040.
gnomAD v4.1: 199 of 1,612,138 alleles (0.012%); highest among the groups gnomAD compares: Admixed American, 0.072%; no homozygotes.

Submissions (4):

Labcorp Genetics (formerly Invitae), Labcorp
Classification: Likely benign for Intellectual disability, autosomal recessive 53. Last evaluated: 2026-01-19. Review status: criteria provided, single submitter. Criteria: Invitae Variant Classification Sherloc (09022015). Collection method: clinical testing. Allele origin: germline.

Blueprint Genetics
Classification: Likely benign. Last evaluated: 2023-10-18. Review status: criteria provided, single submitter. Criteria: ACMG Guidelines, 2015. Collection method: clinical testing. Allele origin: germline.

GeneDx
Classification: Likely benign. Last evaluated: 2021-06-22. Review status: criteria provided, single submitter. Criteria: GeneDx Variant Classification Process June 2021. Collection method: clinical testing. Allele origin: germline. Affected: yes.
Comment: See Variant Classification Assertion Criteria.

Breakthrough Genomics
Classification: Likely benign. Review status: criteria provided, single submitter. Criteria: ACMG Guidelines, 2015. Collection method: not provided. Allele origin: germline. Inheritance: Autosomal recessive inheritance. Affected: yes.

NM_001127178.3(PIGG):c.885G>A (p.Ala295=)

Gene: PIGG (phosphatidylinositol glycan anchor biosynthesis class G (EMM blood group); plus strand). Cytogenetic location: 4p16.3.
Variant type: single nucleotide variant.
Coding change: c.885G>A on transcript NM_001127178.3 (MANE Select); coding-DNA position 885, G replaced by A.
Protein change: p.Ala295=; no amino-acid change (alanine 295 retained).
Molecular consequence: synonymous variant. On other transcripts: 5 prime UTR variant (3), non-coding transcript variant (10), intron variant (1).
Genome position (GRCh38, 1-based): chr4:508,954, G>A. VCF-style: chr4-508954-G-A. GRCh37 (hg19) VCF-style: chr4-502743-G-A.
Other names: c.618G>A, p.Ala206= (NM_001289051.2, NM_001289053.2, NM_001289057.2 and 2 more transcripts); c.486G>A, p.Ala162= (NM_001289052.2); c.519G>A, p.Ala173= (NM_001289055.2); c.885G>A, p.Ala295= (NM_001345989.2, NM_017733.5); c.-741G>A (NM_001345990.2); c.-603G>A (NM_001345991.2); c.-328G>A (NM_001345994.2); c.-129+1361G>A (NM_001345988.2).
Identifiers: ClinVar variation 476355 (VCV000476355.15), dbSNP rs189449890, ClinGen allele CA2793127.